The following is an entry in ClinVar:

ClinVar aggregate classification (germline): Conflicting classifications of pathogenicity. Review status: criteria provided, conflicting classifications (1 of 4 stars). 2 submissions from 2 submitters: Likely pathogenic (1); Uncertain significance (1). Last evaluated 2023-09-11.

Conditions:
Retinitis pigmentosa 12 (RP12). Also called: RP WITH OR WITHOUT PPRPE; RP WITH OR WITHOUT PRESERVED PARAARTERIOLE RETINAL PIGMENT EPITHELIUM; RETINITIS PIGMENTOSA WITH OR WITHOUT PARAARTERIOLAR PRESERVATION OF RETINAL PIGMENT EPITHELIUM. Identifiers: Orphanet 791, MedGen C1838647, MONDO:0010818, OMIM 600105.
Leber congenital amaurosis 8 (LCA8). Identifiers: Orphanet 65, MedGen C3151202, MONDO:0013453, OMIM 613835.

Submissions (2):

Labcorp Genetics (formerly Invitae), Labcorp
Classification: Likely pathogenic for Leber congenital amaurosis 8; Retinitis pigmentosa 12. Last evaluated: 2023-09-11. Review status: criteria provided, single submitter. Criteria: Invitae Variant Classification Sherloc (09022015). Collection method: clinical testing. Allele origin: germline.
Comment: Advanced modeling of protein sequence and biophysical properties (such as structural, functional, and spatial information, amino acid conservation, physicochemical variation, residue mobility, and thermodynamic stability) performed at Invitae indicates that this missense variant is expected to disrupt CRB1 protein function. ClinVar contains an entry for this variant (Variation ID: 1065727). This missense change has been observed in individual(s) with clinical features of macular dystrophy (Invitae). In at least one individual the data is consistent with being in trans (on the opposite chromosome) from a pathogenic variant. This variant is not present in population databases (gnomAD no frequency). This sequence change replaces glycine, which is neutral and non-polar, with alanine, which is neutral and non-polar, at codon 641 of the CRB1 protein (p.Gly641Ala). This variant disrupts the p.Gly641 amino acid residue in CRB1. Other variant(s) that disrupt this residue have been observed in individuals with CRB1-related conditions (PMID: 33342761; Invitae), which suggests that this may be a clinically significant amino acid residue. In summary, the currently available evidence indicates that the variant is pathogenic, but additional data are needed to prove that conclusively. Therefore, this variant has been classified as Likely Pathogenic.

Ocular Genomics Institute, Massachusetts Eye and Ear
Classification: Uncertain significance for Retinitis pigmentosa 12. Last evaluated: 2021-04-08. Review status: criteria provided, single submitter. Criteria: ACMG Guidelines, 2015. Collection method: research. Allele origin: germline. Affected: yes.
Comment: Through a review of available evidence we were able to apply the following criteria: PM2. Based on this evidence we have classified this variant as Variant of Uncertain Significance.

Literature cited by the submitters: PubMed 33342761 (cited by Labcorp Genetics (formerly Invitae), Labcorp).

NM_201253.3(CRB1):c.1922G>C (p.Gly641Ala)

Gene: CRB1 (crumbs cell polarity complex component 1; plus strand). Cytogenetic location: 1q31.3.
Variant type: single nucleotide variant.
Coding change: c.1922G>C on transcript NM_201253.3 (MANE Select); coding-DNA position 1922, G replaced by C.
Protein change: p.Gly641Ala; replaces glycine 641 with alanine.
Molecular consequence: missense variant. On other transcripts: non-coding transcript variant (2).
Genome position (GRCh38, 1-based): chr1:197,421,750, G>C. VCF-style: chr1-197421750-G-C. GRCh37 (hg19) VCF-style: chr1-197390880-G-C.
Other names: c.1586G>C, p.Gly529Ala (NM_001193640.2); c.1715G>C, p.Gly572Ala (NM_001257965.2); c.1922G>C, p.Gly641Ala (NM_001257966.2); short protein forms G529A, G572A, G641A.
Identifiers: ClinVar variation 1065727 (VCV001065727.10), dbSNP rs2125471502, ClinGen allele CA344032908.